The following is an entry in ClinVar:

ClinVar aggregate classification (germline): Uncertain significance (1 of 4 stars; one submission).

Conditions:
Familial adenomatous polyposis 1 (FAP1). Also called: FAMILIAL ADENOMATOUS POLYPOSIS 1, ATTENUATED; POLYPOSIS, ADENOMATOUS INTESTINAL. Identifiers: MedGen C2713442, MONDO:0021056, OMIM 175100. Disease mechanism: loss of function.

Submission:

Labcorp Genetics (formerly Invitae), Labcorp
Classification: Uncertain significance for Familial adenomatous polyposis 1. Last evaluated: 2024-07-04. Review status: criteria provided, single submitter. Criteria: Invitae Variant Classification Sherloc (09022015). Collection method: clinical testing. Allele origin: germline.
Comment: This variant occurs in a non-coding region of the APC gene. It does not change the encoded amino acid sequence of the APC protein. This variant is not present in population databases (gnomAD no frequency). This variant has not been reported in the literature in individuals affected with APC-related conditions. In summary, the available evidence is currently insufficient to determine the role of this variant in disease. Therefore, it has been classified as a Variant of Uncertain Significance.

NM_001127511.3(APC):c.84C>T (p.Gly28=)

Gene: APC (APC regulator of Wnt signaling pathway; plus strand). Cytogenetic location: 5q22.2.
Variant type: single nucleotide variant.
Coding change: c.84C>T on transcript NM_001127511.3; coding-DNA position 84, C replaced by T.
Protein change: p.Gly28=; no amino-acid change (glycine 28 retained).
Molecular consequence: synonymous variant. On other transcripts: 5 prime UTR variant (8), non-coding transcript variant (1), intron variant (5).
Genome position (GRCh38, 1-based): chr5:112,707,801, C>T. VCF-style: chr5-112707801-C-T. GRCh37 (hg19) VCF-style: chr5-112043498-C-T.
Other names: c.-100C>T (NM_001354895.2, NM_001407447.1, NM_001407452.1 and 3 more transcripts); c.84C>T, p.Gly28= (NM_001354897.2, NM_001354902.2, NM_001407446.1); c.-1135C>T (NM_001407470.1, NM_001407472.1); c.-19+152C>T (NM_001407448.1, NM_001407450.1, NM_001407457.1 and 1 more transcripts); c.-43+152C>T (NM_001407453.1).
Identifiers: ClinVar variation 3658802 (VCV003658802.2).